The following is an entry in ClinVar:

ClinVar aggregate classification (germline): Uncertain significance (1 of 4 stars; one submission).

Allele frequency attached by ClinVar (database versions not stated): ExAC 0.00001; gnomAD 0.00001; gnomAD exomes 0.00001.
gnomAD v4.1: 10 of 1,612,872 alleles (0.00062%); highest among the groups gnomAD compares: Non-Finnish European, 0.00085%; no homozygotes.

Submission:

Labcorp Genetics (formerly Invitae), Labcorp
Classification: Uncertain significance. Last evaluated: 2024-01-02. Review status: criteria provided, single submitter. Criteria: Invitae Variant Classification Sherloc (09022015). Collection method: clinical testing. Allele origin: germline.
Comment: This sequence change replaces alanine, which is neutral and non-polar, with valine, which is neutral and non-polar, at codon 273 of the WNT5A protein (p.Ala273Val). This variant is present in population databases (rs771812000, gnomAD 0.002%). This variant has not been reported in the literature in individuals affected with WNT5A-related conditions. ClinVar contains an entry for this variant (Variation ID: 2084460). Advanced modeling of protein sequence and biophysical properties (such as structural, functional, and spatial information, amino acid conservation, physicochemical variation, residue mobility, and thermodynamic stability) performed at Invitae indicates that this missense variant is expected to disrupt WNT5A protein function with a positive predictive value of 80%. In summary, the available evidence is currently insufficient to determine the role of this variant in disease. Therefore, it has been classified as a Variant of Uncertain Significance.

NM_003392.7(WNT5A):c.818C>T (p.Ala273Val)

Gene: WNT5A (Wnt family member 5A; minus strand). Cytogenetic location: 3p14.3.
Variant type: single nucleotide variant.
Coding change: c.818C>T on transcript NM_003392.7 (MANE Select); coding-DNA position 818, C replaced by T.
Protein change: p.Ala273Val; replaces alanine 273 with valine.
Molecular consequence: missense variant.
Genome position (GRCh38, 1-based): chr3:55,470,417, G>A on the plus strand (C>T on the coding strand, the complement: WNT5A is on the minus strand). VCF-style: chr3-55470417-G-A. GRCh37 (hg19) VCF-style: chr3-55504445-G-A.
Other names: c.773C>T, p.Ala258Val (NM_001256105.1, NM_001377271.1, NM_001377272.1); short protein forms A273V, A258V.
Identifiers: ClinVar variation 2084460 (VCV002084460.4), dbSNP rs771812000, ClinGen allele CA2458961.